The following is an entry in ClinVar:

ClinVar aggregate classification (germline): Uncertain significance. Review status: criteria provided, multiple submitters, no conflicts (2 of 4 stars). 3 submissions from 3 submitters: Uncertain significance (3). Last evaluated 2024-06-17.

Conditions:
Autosomal recessive ataxia, Beauce type. Also called: ATAXIA, RECESSIVE, OF BEAUCE; Spinocerebellar ataxia, autosomal recessive 8; SYNE1-Related Autosomal Recessive Cerebellar Ataxia; SYNE1 Deficiency. Identifiers: Orphanet 88644, MedGen C1853116, MONDO:0012549, OMIM 610743.
Emery-Dreifuss muscular dystrophy 4, autosomal dominant (EDMD4). Also called: EMERY-DREIFUSS MUSCULAR DYSTROPHY 4 WITH VARIABLE FEATURES. Identifiers: Orphanet 261, MedGen C2751807, MONDO:0013071, OMIM 612998.

Allele frequency attached by ClinVar (database versions not stated): gnomAD 0.00001 and 0.00003; gnomAD exomes 0.00001 and 0.00002; ExAC 0.00002; TOPMed 0.00003; 1000 Genomes Project 30x 0.00016; 1000 Genomes Project 0.00020.
gnomAD v4.1: 25 of 1,614,088 alleles (0.0015%); highest among the groups gnomAD compares: Admixed American, 0.005%; no homozygotes.

Submissions (3):

Labcorp Genetics (formerly Invitae), Labcorp
Classification: Uncertain significance for Emery-Dreifuss muscular dystrophy 4, autosomal dominant; Autosomal recessive ataxia, Beauce type. Last evaluated: 2024-06-17. Review status: criteria provided, single submitter. Criteria: Invitae Variant Classification Sherloc (09022015). Collection method: clinical testing. Allele origin: germline.
Comment: This sequence change replaces arginine, which is basic and polar, with histidine, which is basic and polar, at codon 2387 of the SYNE1 protein (p.Arg2387His). This variant is present in population databases (rs554035671, gnomAD 0.01%). This variant has not been reported in the literature in individuals affected with SYNE1-related conditions. ClinVar contains an entry for this variant (Variation ID: 995290). An algorithm developed to predict the effect of missense changes on protein structure and function (PolyPhen-2) suggests that this variant is likely to be tolerated. In summary, the available evidence is currently insufficient to determine the role of this variant in disease. Therefore, it has been classified as a Variant of Uncertain Significance.

Athena Diagnostics
Classification: Uncertain significance. Last evaluated: 2024-05-14. Review status: criteria provided, single submitter. Criteria: Athena Diagnostics Criteria. Collection method: clinical testing. Allele origin: unknown.
Comment: Available data are insufficient to determine the clinical significance of the variant at this time. The frequency of this variant in the general population is uninformative in assessment of its pathogenicity. Polyphen and MutationTaster predict this amino acid change may be benign.

Revvity Omics, Revvity
Classification: Uncertain significance. Last evaluated: 2020-10-19. Review status: criteria provided, single submitter. Criteria: ACMG Guidelines, 2015. Collection method: clinical testing. Allele origin: germline.

NM_182961.4(SYNE1):c.7139G>A (p.Arg2380His)

Gene: SYNE1 (spectrin repeat containing nuclear envelope protein 1; minus strand). Cytogenetic location: 6q25.2.
Variant type: single nucleotide variant.
Coding change: c.7139G>A on transcript NM_182961.4 (MANE Select); coding-DNA position 7139, G replaced by A.
Protein change: p.Arg2380His; replaces arginine 2380 with histidine.
Molecular consequence: missense variant.
Genome position (GRCh38, 1-based): chr6:152,399,714, C>T on the plus strand (G>A on the coding strand, the complement: SYNE1 is on the minus strand). VCF-style: chr6-152399714-C-T. GRCh37 (hg19) VCF-style: chr6-152720849-C-T.
Other names: c.7160G>A (NM_033071.3); c.7160G>A, p.Arg2387His (NM_033071.5); short protein forms R2380H, R2387H.
Identifiers: ClinVar variation 995290 (VCV000995290.8), dbSNP rs554035671, ClinGen allele CA4057905.